The following is an entry in ClinVar:

ClinVar aggregate classification (germline): Uncertain significance (1 of 4 stars; one submission).

Conditions:
PHIP-related disorder. Also called: PHIP-related disorders; PHIP-related condition.

Submission:

PreventionGenetics, part of Exact Sciences
Classification: Uncertain significance for PHIP-related condition. Last evaluated: 2026-03-03. Review status: criteria provided, single submitter. Criteria: ACMG Guidelines, 2015. Collection method: clinical testing. Allele origin: germline.
Comment: The PHIP c.1613T>C variant is predicted to result in the amino acid substitution p.Leu538Pro. To our knowledge, this variant has not been reported in the literature or in a large population database (gnomAD), indicating this variant is rare. At this time, the clinical significance of this variant is uncertain due to the absence of conclusive functional and genetic evidence.

NM_017934.7(PHIP):c.1613T>C (p.Leu538Pro)

Gene: PHIP (PHIP subunit of CUL4-Ring ligase complex; minus strand). Cytogenetic location: 6q14.1.
Variant type: single nucleotide variant.
Coding change: c.1613T>C on transcript NM_017934.7 (MANE Select); coding-DNA position 1613, T replaced by C.
Protein change: p.Leu538Pro; replaces leucine 538 with proline.
Molecular consequence: missense variant.
Genome position (GRCh38, 1-based): chr6:79,003,770, A>G on the plus strand (T>C on the coding strand, the complement: PHIP is on the minus strand). VCF-style: chr6-79003770-A-G. GRCh37 (hg19) VCF-style: chr6-79713487-A-G.
Other names: short protein forms L538P.
Identifiers: ClinVar variation 5001100 (VCV005001100.1).
Genomic context (GRCh38, chr6:79,003,770, plus strand): 5'-ATATAGTCATCATACTCTACCTTGTCATATTTGCTACTGGACCCAAAGCCAAAAATTAAA[A>G]GATGTCCATGAGAGTCTGTGCATGCAAAATGCTGACCATCAGGAGAGCATTTGCAGTCAA-3'
Protein context (NP_060404.4, residues 528-548): HFACTDSHGH[Leu538Pro]LIFGFGSSSK